The following is an entry in ClinVar:

ClinVar aggregate classification (germline): Pathogenic. Review status: criteria provided, multiple submitters, no conflicts (2 of 4 stars). 3 submissions from 3 submitters: Pathogenic (3). Last evaluated 2025-09-08.

Conditions:
Hereditary cancer-predisposing syndrome. Also called: Neoplastic Syndromes, Hereditary; Hereditary Cancer Syndrome; Hereditary neoplastic syndrome; Tumor predisposition. Identifiers: Orphanet 140162, MedGen C0027672, MeSH D009386, MONDO:0015356.
Hereditary breast ovarian cancer syndrome. Also called: Hereditary breast and/or ovarian cancer syndrome; BRCA1- and BRCA2-Associated Hereditary Breast and Ovarian Cancer; Hereditary breast and ovarian cancer syndrome; Hereditary breast and ovarian cancer; Hereditary breast and ovarian cancer syndrome (HBOC); Breast and ovarian cancer. Identifiers: Orphanet 145, MedGen C0677776, MeSH D061325, MONDO:0003582. Disease mechanism: loss of function.

Submissions (3):

Ambry Genetics
Classification: Pathogenic for Hereditary cancer-predisposing syndrome. Last evaluated: 2025-09-08. Review status: criteria provided, single submitter. Criteria: Ambry Variant Classification Scheme 2023. Collection method: clinical testing. Allele origin: germline.
Comment: The p.E919* pathogenic mutation (also known as c.2755G>T), located in coding exon 10 of the BRCA2 gene, results from a G to T substitution at nucleotide position 2755. This changes the amino acid from a glutamic acid to a stop codon within coding exon 10. This variant is considered to be rare based on population cohorts in the Genome Aggregation Database (gnomAD). This alteration is expected to result in loss of function by premature protein truncation or nonsense-mediated mRNA decay. As such, this alteration is interpreted as a disease-causing mutation.

Color Diagnostics, LLC DBA Color Health
Classification: Pathogenic for Hereditary cancer-predisposing syndrome. Last evaluated: 2022-04-18. Review status: criteria provided, single submitter. Criteria: ACMG Guidelines, 2015. Collection method: clinical testing. Allele origin: germline.
Comment: This variant changes 1 nucleotide in exon 11 of the BRCA2 gene, creating a premature translation stop signal. This variant is expected to result in an absent or non-functional protein product. To our knowledge, this variant has not been reported in individuals affected with hereditary cancer in the literature. This variant has not been identified in the general population by the Genome Aggregation Database (gnomAD). Loss of BRCA2 function is a known mechanism of disease. Based on the available evidence, this variant is classified as Pathogenic.

Labcorp Genetics (formerly Invitae), Labcorp
Classification: Pathogenic for Hereditary breast ovarian cancer syndrome. Last evaluated: 2021-07-06. Review status: criteria provided, single submitter. Criteria: Invitae Variant Classification Sherloc (09022015). Collection method: clinical testing. Allele origin: germline.
Comment: For these reasons, this variant has been classified as Pathogenic. This variant has not been reported in the literature in individuals affected with BRCA2-related conditions. This variant is not present in population databases (ExAC no frequency). This sequence change creates a premature translational stop signal (p.Glu919*) in the BRCA2 gene. It is expected to result in an absent or disrupted protein product. Loss-of-function variants in BRCA2 are known to be pathogenic (PMID: 20104584).

Literature cited by the submitters: PubMed 20104584 (cited by Labcorp Genetics (formerly Invitae), Labcorp).

NM_000059.4(BRCA2):c.2755G>T (p.Glu919Ter)

Gene: BRCA2 (BRCA2 DNA repair associated; plus strand). Cytogenetic location: 13q13.1.
Variant type: single nucleotide variant.
Coding change: c.2755G>T on transcript NM_000059.4 (MANE Select); coding-DNA position 2755, G replaced by T.
Protein change: p.Glu919Ter; replaces glutamic acid 919 with a stop codon.
Molecular consequence: nonsense.
Genome position (GRCh38, 1-based): chr13:32,337,110, G>T. VCF-style: chr13-32337110-G-T. GRCh37 (hg19) VCF-style: chr13-32911247-G-T.
Other names: c.2755G>T (NM_000059.3); short protein forms E919*.
Identifiers: ClinVar variation 1418898 (VCV001418898.9), dbSNP rs431825298, ClinGen allele CA387773649.
Genomic context (GRCh38, chr13:32,337,110, plus strand): 5'-AATAATCTTGCTTTAGGAAATACTAAGGAACTTCATGAAACAGACTTGACTTGTGTAAAC[G>T]AACCCATTTTCAAGAACTCTACCATGGTTTTATATGGAGACACAGGTGATAAACAAGCAA-3'